The following is an entry in ClinVar:

NM_013291.3(CPSF1):c.1818G>A (p.Thr606=)

Gene: CPSF1 (cleavage and polyadenylation specific factor 1; minus strand). Cytogenetic location: 8q24.3.
Variant type: single nucleotide variant.
Coding change: c.1818G>A on transcript NM_013291.3 (MANE Select); coding-DNA position 1818, G replaced by A.
Protein change: p.Thr606=; no amino-acid change (threonine 606 retained).
Molecular consequence: synonymous variant.
Genome position (GRCh38, 1-based): chr8:144,398,378, C>T on the plus strand (G>A on the coding strand, the complement: CPSF1 is on the minus strand). VCF-style: chr8-144398378-C-T.
Identifiers: ClinVar variation 3351129 (VCV003351129.1).

ClinVar aggregate classification (germline): Likely benign (0 of 4 stars; one submission).

Conditions:
CPSF1-related disorder. Also called: CPSF1-related condition.

Submission:

PreventionGenetics, part of Exact Sciences
Classification: Likely benign for CPSF1-related condition. Last evaluated: 2024-08-14. Review status: no assertion criteria provided. Collection method: clinical testing. Allele origin: germline.
Comment: This variant is classified as likely benign based on ACMG/AMP sequence variant interpretation guidelines (Richards et al. 2015 PMID: 25741868, with internal and published modifications).